The following is an entry in ClinVar:

ClinVar aggregate classification (germline): Uncertain significance (1 of 4 stars; one submission).

Submission:

Labcorp Genetics (formerly Invitae), Labcorp
Classification: Uncertain significance. Last evaluated: 2022-03-20. Review status: criteria provided, single submitter. Criteria: Invitae Variant Classification Sherloc (09022015). Collection method: clinical testing. Allele origin: germline.
Comment: In summary, the available evidence is currently insufficient to determine the role of this variant in disease. Therefore, it has been classified as a Variant of Uncertain Significance. Algorithms developed to predict the effect of missense changes on protein structure and function are either unavailable or do not agree on the potential impact of this missense change (SIFT: "Not Available"; PolyPhen-2: "Probably Damaging"; Align-GVGD: "Not Available"). This sequence change replaces arginine, which is basic and polar, with leucine, which is neutral and non-polar, at codon 1126 of the CARMIL2 protein (p.Arg1126Leu). Information on the frequency of this variant in the gnomAD database is not available, as this variant may be reported differently in the database. This variant has not been reported in the literature in individuals affected with CARMIL2-related conditions.

NM_001013838.3(CARMIL2):c.3377_3378delinsTT (p.Arg1126Leu)

Gene: CARMIL2 (capping protein regulator and myosin 1 linker 2; plus strand). Cytogenetic location: 16q22.1.
Variant type: Indel.
Coding change: c.3377_3378delinsTT on transcript NM_001013838.3 (MANE Select); coding-DNA positions 3377 to 3378, GA replaced by TT.
Protein change: p.Arg1126Leu; replaces arginine 1126 with leucine.
Molecular consequence: missense variant.
Genome position (GRCh38, 1-based): chr16:67,654,487-67,654,488, GA replaced by TT. VCF-style: chr16-67654487-GA-TT. GRCh37 (hg19) VCF-style: chr16-67688390-GA-TT.
Other names: c.3269_3270delinsTT, p.Arg1090Leu (NM_001317026.3); short protein forms R1126L, R1090L.
Identifiers: ClinVar variation 2114884 (VCV002114884.4), dbSNP rs2543577763, ClinGen allele CA2580091813.
Genomic context (GRCh38, chr16:67,654,487, plus strand): 5'-AGCCTCGTTCAACGCGGGGTCCACGGACTGATCTAGAGACCAGCCCTGGGGCAGCTCCCC[GA>TT]ACCCGAAAAACTACATTTGGCGACCTACTGCGGCCGCCAACCCGTCCCAGCCGTGGTGAG-3'
Protein context (NP_001013860.1, residues 1116-1136): DLETSPGAAP[Arg1126Leu]TRKTTFGDLL